The following is an entry in ClinVar:

NM_005359.6(SMAD4):c.1295G>A (p.Ser432Asn)

Gene: SMAD4 (SMAD family member 4; plus strand). Cytogenetic location: 18q21.2.
Variant type: single nucleotide variant.
Coding change: c.1295G>A on transcript NM_005359.6 (MANE Select); coding-DNA position 1295, G replaced by A.
Protein change: p.Ser432Asn; replaces serine 432 with asparagine.
Molecular consequence: missense variant.
Genome position (GRCh38, 1-based): chr18:51,067,174, G>A. VCF-style: chr18-51067174-G-A. GRCh37 (hg19) VCF-style: chr18-48593544-G-A.
Other names: short protein forms S432N.
Identifiers: ClinVar variation 405498 (VCV000405498.12), dbSNP rs770301659, ClinGen allele CA16616084.

ClinVar aggregate classification (germline): Uncertain significance. Review status: criteria provided, multiple submitters, no conflicts (2 of 4 stars). 3 submissions from 3 submitters: Uncertain significance (3). Last evaluated 2026-08-11.

Conditions:
Hereditary cancer-predisposing syndrome. Also called: Neoplastic Syndromes, Hereditary; Hereditary Cancer Syndrome; Tumor predisposition; Hereditary neoplastic syndrome. Identifiers: Orphanet 140162, MedGen C0027672, MeSH D009386, MONDO:0015356.
Familial thoracic aortic aneurysm and aortic dissection (TAAD). Also called: Thoracic aortic aneurysms and dissections. Identifiers: Orphanet 91387, MedGen C4707243, MONDO:0019625.
Juvenile polyposis/hereditary hemorrhagic telangiectasia syndrome (JPHT). Also called: TELANGIECTASIA, HEREDITARY HEMORRHAGIC, WITH JUVENILE POLYPOSIS COLI; JP/HHT SYNDROME; JUVENILE POLYPOSIS WITH HEREDITARY HEMORRHAGIC TELANGIECTASIA; POLYPOSIS, GENERALIZED JUVENILE, WITH PULMONARY ARTERIOVENOUS MALFORMATION; Juvenile Polyposis Syndrome / Hereditary Hemorrhagic Telangiectasia (JPS/HHT). Identifiers: Orphanet 2929, MedGen C1832942, MONDO:0008278, OMIM 175050.
Juvenile polyposis syndrome (JPS). Identifiers: Orphanet 2929, MedGen C0345893, MONDO:0017380, OMIM 174900.

Submissions (3):

Ambry Genetics
Classification: Uncertain significance for Hereditary cancer-predisposing syndrome; Familial thoracic aortic aneurysm and aortic dissection. Last evaluated: 2026-08-11. Review status: criteria provided, single submitter. Criteria: Ambry Variant Classification Scheme 2023. Collection method: clinical testing. Allele origin: germline.
Comment: The p.S432N variant (also known as c.1295G>A), located in coding exon 9 of the SMAD4 gene, results from a G to A substitution at nucleotide position 1295. The serine at codon 432 is replaced by asparagine, an amino acid with highly similar properties. This amino acid position is conserved. In addition, the in silico prediction for this alteration is inconclusive. Based on the available evidence, the clinical significance of this variant remains unclear.

Labcorp Genetics (formerly Invitae), Labcorp
Classification: Uncertain significance for Juvenile polyposis syndrome. Last evaluated: 2026-02-02. Review status: criteria provided, single submitter. Criteria: Invitae Variant Classification Sherloc (09022015). Collection method: clinical testing. Allele origin: germline.
Comment: This sequence change replaces serine, which is neutral and polar, with asparagine, which is neutral and polar, at codon 432 of the SMAD4 protein (p.Ser432Asn). This variant is not present in population databases (gnomAD no frequency). This variant has not been reported in the literature in individuals affected with SMAD4-related conditions. ClinVar contains an entry for this variant (Variation ID: 405498). Invitae Evidence Modeling of protein sequence and biophysical properties (such as structural, functional, and spatial information, amino acid conservation, physicochemical variation, residue mobility, and thermodynamic stability) has been performed for this missense variant. However, the output from this modeling did not meet the statistical confidence thresholds required to predict the impact of this variant on SMAD4 protein function. In summary, the available evidence is currently insufficient to determine the role of this variant in disease. Therefore, it has been classified as a Variant of Uncertain Significance.

All of Us Research Program, National Institutes of Health
Classification: Uncertain significance for Juvenile polyposis/hereditary hemorrhagic telangiectasia syndrome. Last evaluated: 2023-11-30. Review status: criteria provided, single submitter. Criteria: ACMG Guidelines, 2015. Collection method: clinical testing. Allele origin: germline. Inheritance: Autosomal dominant inheritance. Observed: 1 variant allele, 1 heterozygote.
Comment: This study involves interpretation of variants in research participants for the purpose of population health screening. Participant phenotype was not available at the time of variant classification. Additional details can be found in publication PMID: 35346344, PMCID: PMC8962531